The following is an entry in ClinVar:

ClinVar aggregate classification (germline): Conflicting classifications of pathogenicity. Review status: criteria provided, conflicting classifications (1 of 4 stars). 3 submissions from 3 submitters: Likely pathogenic (2); Uncertain significance (1). Last evaluated 2025-11-12.

Conditions:
TTN-related disorder. Also called: TTN-related condition; TTN-related disease; TTN-related disorders.
Dilated cardiomyopathy 1G (CMD1G). Identifiers: Orphanet 154, MedGen C1858763, MONDO:0011400, OMIM 604145.
Autosomal recessive limb-girdle muscular dystrophy type 2J (LGMDR10). Also called: Limb-girdle muscular dystrophy, type 2J; MUSCULAR DYSTROPHY, LIMB-GIRDLE, AUTOSOMAL RECESSIVE 10. Identifiers: Orphanet 140922, MedGen C1837342, MONDO:0012127, OMIM 608807.

gnomAD v4.1: 1 of 1,586,148 alleles (0.000063%); highest among the groups gnomAD compares: South Asian, 0.0012%; no homozygotes.

Submissions (3):

PreventionGenetics, part of Exact Sciences
Classification: Likely pathogenic for TTN-related condition. Last evaluated: 2025-11-12. Review status: criteria provided, single submitter. Criteria: ACMG Guidelines, 2015. Collection method: clinical testing. Allele origin: germline.
Comment: The TTN c.16057C>T variant is predicted to result in premature protein termination (p.Arg5353*). This variant, also described as c.12325C>T, p.Arg4109* (NM_133378), has been reported in an individual with dilated cardiomyopathy (DCM) and was shown to segregate in affected family members within this family (Liu et al. 2016. PubMed ID: 27544385). This variant is located in the I-band region of the TTN protein. RNAseq studies from heart tissue indicate this exon is not commonly included in TTN mRNA transcripts (PSI of 6%-17%, Roberts et al. 2015. PubMed ID: 25589632). TTN loss-of-function variants occurring in non-constitutively expressed exons (PSI < 90%) are less likely to be disease causing for TTN cardiac-related disorders (Roberts et al. 2015. PubMed ID: 25589632; Schafer et al. 2017. PubMed ID: 27869827; Akhtar et al. 2020. PubMed ID: 32964742). Many cases of recessive TTN-related myopathies in which the individual is compound heterozygous for two loss-of-function variants in TTN have also been reported (Ge et al. 2019. PubMed ID: 31053406; Oates et al. 2018. PubMed ID: 29691892; Rees et al. 2021. PubMed ID: 33449170). This variant is reported in 0.0041% of alleles in individuals of South Asian descent in gnomAD. Nonsense variants in TTN are expected to be pathogenic. In summary, this variant is likely pathogenic for autosomal recessive TTN-related congenital titinopathies. However, it is uncertain if this variant would be causative for autosomal dominant TTN-related disorders.​

Labcorp Genetics (formerly Invitae), Labcorp
Classification: Likely pathogenic for Dilated cardiomyopathy 1G; Autosomal recessive limb-girdle muscular dystrophy type 2J. Last evaluated: 2025-03-27. Review status: criteria provided, single submitter. Criteria: Invitae Variant Classification Sherloc (09022015). Collection method: clinical testing. Allele origin: germline.
Comment: This sequence change creates a premature translational stop signal (p.Arg5353*) in the TTN gene. While this is not anticipated to result in nonsense mediated decay, it is expected to create a truncated TTN protein. This variant is present in population databases (rs267599069, gnomAD 0.004%). This premature translational stop signal has been observed in individual(s) with clinical features of autosomal recessive TTN-related neuromuscular conditions (internal data). This variant has been reported in individual(s) with autosomal dominant dilated cardiomyopathy (PMID: 27544385); however, the role of the variant in this condition is currently unclear. ClinVar contains an entry for this variant (Variation ID: 74292). Algorithms developed to predict the effect of sequence changes on RNA splicing suggest that this variant may disrupt the consensus splice site. This variant is located in the I band of TTN (PMID: 25589632). Truncating variants in this region have been reported in individuals affected with autosomal recessive centronuclear myopathy (PMID: 23975875, internal data). Truncating variants in this region have also been identified in individuals affected with autosomal dominant dilated cardiomyopathy and/or cardio-related conditions (PMID: 27869827, 32964742, internal data). In summary, the currently available evidence indicates that the variant is pathogenic, but additional data are needed to prove that conclusively. Therefore, this variant has been classified as Likely Pathogenic.

Revvity Omics, Revvity
Classification: Uncertain significance. Last evaluated: 2024-03-18. Review status: criteria provided, single submitter. Criteria: ACMG Guidelines, 2015. Collection method: clinical testing. Allele origin: germline.

Literature cited by the submitters: PubMed 27544385 (cited by Labcorp Genetics (formerly Invitae), Labcorp); PubMed 25589632 (cited by Labcorp Genetics (formerly Invitae), Labcorp); PubMed 23975875 (cited by Labcorp Genetics (formerly Invitae), Labcorp); PubMed 27869827 (cited by Labcorp Genetics (formerly Invitae), Labcorp); PubMed 32964742 (cited by Labcorp Genetics (formerly Invitae), Labcorp).

NM_001267550.2(TTN):c.16057C>T (p.Arg5353Ter)

Gene: TTN (titin; minus strand). Cytogenetic location: 2q31.2.
Variant type: single nucleotide variant.
Coding change: c.16057C>T on transcript NM_001267550.2 (MANE Select); coding-DNA position 16057, C replaced by T.
Protein change: p.Arg5353Ter; replaces arginine 5353 with a stop codon.
Molecular consequence: nonsense. On other transcripts: intron variant (3).
Genome position (GRCh38, 1-based): chr2:178,733,119, G>A on the plus strand (C>T on the coding strand, the complement: TTN is on the minus strand). VCF-style: chr2-178733119-G-A. GRCh37 (hg19) VCF-style: chr2-179597846-G-A.
Other names: c.15106C>T, p.Arg5036Ter (NM_001256850.1); c.12325C>T, p.Arg4109Ter (NM_133378.4); c.13282+4963C>T (NM_003319.4); c.13858+4963C>T (NM_133437.4); c.13657+4963C>T (NM_133432.3); short protein forms R5353*, R4109*, R5036*.
Identifiers: ClinVar variation 74292 (VCV000074292.12), dbSNP rs267599069, ClinGen allele CA2002098.